The following is an entry in ClinVar:

NM_006505.5(PVR):c.516C>T (p.Arg172=)

Gene: PVR (PVR cell adhesion molecule; plus strand). Cytogenetic location: 19q13.31.
Variant type: single nucleotide variant.
Coding change: c.516C>T on transcript NM_006505.5 (MANE Select); coding-DNA position 516, C replaced by T.
Protein change: p.Arg172=; no amino-acid change (arginine 172 retained).
Molecular consequence: synonymous variant.
Genome position (GRCh38, 1-based): chr19:44,649,897, C>T. VCF-style: chr19-44649897-C-T. GRCh37 (hg19) VCF-style: chr19-45153169-C-T.
Other names: c.516C>T, p.Arg172= (NM_001135768.3, NM_001135769.3, NM_001135770.4).
Identifiers: ClinVar variation 3048161 (VCV003048161.2), dbSNP rs377417539, ClinGen allele CA9502254.

ClinVar aggregate classification (germline): Likely benign (0 of 4 stars; one submission).

Conditions:
PVR-related disorder. Also called: PVR-related condition.

Allele frequency attached by ClinVar (database versions not stated): ExAC 0.00002; gnomAD exomes 0.00002; gnomAD 0.00011; TOPMed 0.00011; ESP Exome Variant Server 0.00015.
gnomAD v4.1: 40 of 1,613,842 alleles (0.0025%); highest among the groups gnomAD compares: African/African-American, 0.043%; no homozygotes.

Submission:

PreventionGenetics, part of Exact Sciences
Classification: Likely benign for PVR-related condition. Last evaluated: 2019-12-16. Review status: no assertion criteria provided. Collection method: clinical testing. Allele origin: germline.
Comment: This variant is classified as likely benign based on ACMG/AMP sequence variant interpretation guidelines (Richards et al. 2015 PMID: 25741868, with internal and published modifications).